The following is an entry in ClinVar:

ClinVar aggregate classification (germline): Uncertain significance (1 of 4 stars; one submission).

Conditions:
Oligodontia-cancer predisposition syndrome. Also called: TOOTH AGENESIS-COLORECTAL CANCER SYNDROME. Identifiers: Orphanet 300576, MedGen C1837750, MONDO:0012075, OMIM 608615. Disease mechanism: loss of function.

Submission:

Labcorp Genetics (formerly Invitae), Labcorp
Classification: Uncertain significance for Oligodontia-cancer predisposition syndrome. Last evaluated: 2024-02-01. Review status: criteria provided, single submitter. Criteria: Invitae Variant Classification Sherloc (09022015). Collection method: clinical testing. Allele origin: germline.
Comment: This sequence change replaces valine, which is neutral and non-polar, with aspartic acid, which is acidic and polar, at codon 45 of the AXIN2 protein (p.Val45Asp). This variant is not present in population databases (gnomAD no frequency). This variant has not been reported in the literature in individuals affected with AXIN2-related conditions. Advanced modeling of protein sequence and biophysical properties (such as structural, functional, and spatial information, amino acid conservation, physicochemical variation, residue mobility, and thermodynamic stability) performed at Invitae indicates that this missense variant is not expected to disrupt AXIN2 protein function with a negative predictive value of 80%. In summary, the available evidence is currently insufficient to determine the role of this variant in disease. Therefore, it has been classified as a Variant of Uncertain Significance.

NM_004655.4(AXIN2):c.134T>A (p.Val45Asp)

Gene: AXIN2 (axin 2; minus strand). Cytogenetic location: 17q24.1.
Variant type: single nucleotide variant.
Coding change: c.134T>A on transcript NM_004655.4 (MANE Select); coding-DNA position 134, T replaced by A.
Protein change: p.Val45Asp; replaces valine 45 with aspartic acid.
Molecular consequence: missense variant.
Genome position (GRCh38, 1-based): chr17:65,558,487, A>T on the plus strand (T>A on the coding strand, the complement: AXIN2 is on the minus strand). VCF-style: chr17-65558487-A-T. GRCh37 (hg19) VCF-style: chr17-63554605-A-T.
Other names: c.134T>A, p.Val45Asp (NM_001363813.1); short protein forms V45D.
Identifiers: ClinVar variation 2714656 (VCV002714656.3), dbSNP rs2544254877, ClinGen allele CA400682081.
Genomic context (GRCh38, chr17:65,558,487, plus strand): 5'-GGCTCCCCCAACCCATCTTCGTTCCGCCTGGTGTTGGAAGAGACAGGCATGGGTTTGGTG[A>T]CCTGGCCCTTGCCCACCCCTGGCTGACACGGTGGGGTCTCCCCTTCTTCCCCTGGCACTG-3'
Protein context (NP_004646.3, residues 35-55): PCQPGVGKGQ[Val45Asp]TKPMPVSSNT